The following is an entry in ClinVar:

NM_000059.4(BRCA2):c.1988T>C (p.Phe663Ser)

Gene: BRCA2 (BRCA2 DNA repair associated; plus strand). Cytogenetic location: 13q13.1.
Variant type: single nucleotide variant.
Coding change: c.1988T>C on transcript NM_000059.4 (MANE Select); coding-DNA position 1988, T replaced by C.
Protein change: p.Phe663Ser; replaces phenylalanine 663 with serine.
Molecular consequence: missense variant.
Genome position (GRCh38, 1-based): chr13:32,336,343, T>C. VCF-style: chr13-32336343-T-C. GRCh37 (hg19) VCF-style: chr13-32910480-T-C.
Other names: short protein forms F663S.
Identifiers: ClinVar variation 185652 (VCV000185652.22), dbSNP rs552526845, ClinGen allele CA014072.

ClinVar aggregate classification (germline): Conflicting classifications of pathogenicity. Review status: criteria provided, conflicting classifications (1 of 4 stars). 6 submissions from 6 submitters: Uncertain significance (5); Likely benign (1). Last evaluated 2025-10-13.

Conditions:
BRCA2-related cancer predisposition. Identifiers: MedGen CN377758, MONDO:0700269.
Hereditary cancer-predisposing syndrome. Also called: Hereditary neoplastic syndrome; Neoplastic Syndromes, Hereditary; Tumor predisposition; Hereditary Cancer Syndrome. Identifiers: Orphanet 140162, MedGen C0027672, MeSH D009386, MONDO:0015356.
Hereditary breast ovarian cancer syndrome. Also called: Hereditary breast and ovarian cancer syndrome (HBOC); Breast and ovarian cancer; Hereditary breast and/or ovarian cancer syndrome; BRCA1- and BRCA2-Associated Hereditary Breast and Ovarian Cancer; Hereditary breast and ovarian cancer syndrome; Hereditary breast and ovarian cancer. Identifiers: Orphanet 145, MedGen C0677776, MeSH D061325, MONDO:0003582. Disease mechanism: loss of function.

Allele frequency attached by ClinVar (database versions not stated): gnomAD exomes below 0.00001 and 0.00001; TOPMed below 0.00001; gnomAD 0.00001; ExAC 0.00002; 1000 Genomes Project 30x 0.00016; 1000 Genomes Project 0.00020.
gnomAD v4.1: 4 of 1,607,158 alleles (0.00025%); highest among the groups gnomAD compares: African/African-American, 0.004%; no homozygotes.

Submissions (6):

Labcorp Genetics (formerly Invitae), Labcorp
Classification: Uncertain significance for Hereditary breast ovarian cancer syndrome. Last evaluated: 2025-10-13. Review status: criteria provided, single submitter. Criteria: Invitae Variant Classification Sherloc (09022015). Collection method: clinical testing. Allele origin: germline.
Comment: This sequence change replaces phenylalanine, which is neutral and non-polar, with serine, which is neutral and polar, at codon 663 of the BRCA2 protein (p.Phe663Ser). This variant is present in population databases (rs552526845, gnomAD 0.007%). This variant has not been reported in the literature in individuals affected with BRCA2-related conditions. ClinVar contains an entry for this variant (Variation ID: 185652). Invitae Evidence Modeling of protein sequence and biophysical properties (such as structural, functional, and spatial information, amino acid conservation, physicochemical variation, residue mobility, and thermodynamic stability) indicates that this missense variant is not expected to disrupt BRCA2 protein function with a negative predictive value of 95%. In summary, the available evidence is currently insufficient to determine the role of this variant in disease. Therefore, it has been classified as a Variant of Uncertain Significance.

Quest Diagnostics Nichols Institute San Juan Capistrano
Classification: Uncertain significance. Last evaluated: 2025-07-09. Review status: criteria provided, single submitter. Criteria: Quest Diagnostics criteria. Collection method: clinical testing. Allele origin: unknown.
Comment: The BRCA2 c.1988T>C (p.Phe663Ser) variant has been reported in the published literature to be located in a region of the BRCA2 gene that is tolerant to missense sequence changes (PMID: 31911673 (2020)). A functional study demonstrated that this variant had inconclusive effects on protein function, with neutral functional impact in a CRISPR-Cas9 genome editing screening assay (PMID: 33691754 (2021). The frequency of this variant in the general population (Genome Aggregation Database) is uninformative in the assessment of its pathogenicity. Analysis of this variant using bioinformatics tools for the prediction of the effect of amino acid changes on protein structure and function yielded predictions that this variant is benign. Based on the available information, we are unable to determine the clinical significance of this variant.

All of Us Research Program, National Institutes of Health
Classification: Uncertain significance for BRCA2-related cancer predisposition. Last evaluated: 2024-08-13. Review status: criteria provided, single submitter. Criteria: ACMG Guidelines, 2015. Collection method: clinical testing. Allele origin: germline. Inheritance: Autosomal dominant inheritance. Observed: 2 variant alleles, 2 heterozygotes.
Comment: This missense variant replaces phenylalanine with serine at codon 663 of the BRCA2 protein. Computational prediction suggests that this variant may not impact protein structure and function (internally defined REVEL score threshold <= 0.5, PMID: 27666373). To our knowledge, functional studies have not been reported for this variant. This variant has not been reported in individuals affected with hereditary cancer in the literature. This variant has been identified in 2/246488 chromosomes in the general population by the Genome Aggregation Database (gnomAD). The available evidence is insufficient to determine the role of this variant in disease conclusively. Therefore, this variant is classified as a Variant of Uncertain Significance.

This study involves interpretation of variants in research participants for the purpose of population health screening. Participant phenotype was not available at the time of variant classification. Additional details can be found in publication PMID: 35346344, PMCID: PMC8962531

Color Diagnostics, LLC DBA Color Health
Classification: Uncertain significance for Hereditary cancer-predisposing syndrome. Last evaluated: 2024-04-29. Review status: criteria provided, single submitter. Criteria: ACMG Guidelines, 2015. Collection method: clinical testing. Allele origin: germline.
Comment: This missense variant replaces phenylalanine with serine at codon 663 of the BRCA2 protein. Computational prediction suggests that this variant may not impact protein structure and function. To our knowledge, functional studies have not been reported for this variant. This variant has not been reported in individuals affected with BRCA2-related disorders in the literature. This variant has been identified in 2/246488 chromosomes in the general population by the Genome Aggregation Database (gnomAD). The available evidence is insufficient to determine the role of this variant in disease conclusively. Therefore, this variant is classified as a Variant of Uncertain Significance.

Ambry Genetics
Classification: Uncertain significance for Hereditary cancer-predisposing syndrome. Last evaluated: 2024-01-11. Review status: criteria provided, single submitter. Criteria: Ambry Variant Classification Scheme 2023. Collection method: clinical testing. Allele origin: germline.
Comment: The p.F663S variant (also known as c.1988T>C), located in coding exon 10 of the BRCA2 gene, results from a T to C substitution at nucleotide position 1988. The phenylalanine at codon 663 is replaced by serine, an amino acid with highly dissimilar properties. This amino acid position is not well conserved in available vertebrate species. In addition, this alteration is predicted to be tolerated by in silico analysis. Since supporting evidence is limited at this time, the clinical significance of this alteration remains unclear.

University of Washington Department of Laboratory Medicine, University of Washington
Classification: Likely benign for Hereditary cancer-predisposing syndrome. Last evaluated: 2023-03-23. Review status: criteria provided, single submitter. Criteria: Dines et al. (Genet Med. 2020). Collection method: curation. Allele origin: germline.
Comment: Missense variant in a coldspot region where missense variants are very unlikely to be pathogenic (PMID:31911673).

BRCA2 exon 11 coldspot. Reclassification based on statistical prior probability.

Literature cited by the submitters: PubMed 33691754 (cited by Quest Diagnostics Nichols Institute San Juan Capistrano); PubMed 31911673 (cited by Quest Diagnostics Nichols Institute San Juan Capistrano); PubMed 30702160 (cited by Quest Diagnostics Nichols Institute San Juan Capistrano).